The following is an entry in ClinVar:

ClinVar aggregate classification (germline): Likely benign (1 of 4 stars; one submission).

Conditions:
Von Hippel-Lindau syndrome (VHLS). Also called: von Hippel–Lindau syndrome; VHL syndrome; Von Hippel-Lindau. Identifiers: Orphanet 892, MedGen C0019562, MONDO:0008667, OMIM 193300. Disease mechanism: loss of function.

Submission:

All of Us Research Program, National Institutes of Health
Classification: Likely benign for Von Hippel-Lindau syndrome. Last evaluated: 2023-02-24. Review status: criteria provided, single submitter. Criteria: ACMG Guidelines, 2015. Collection method: clinical testing. Allele origin: germline. Inheritance: Autosomal dominant inheritance. Observed: 1 variant allele, 1 heterozygote.
Comment: This study involves interpretation of variants in research participants for the purpose of population health screening. Participant phenotype was not available at the time of variant classification. Additional details can be found in publication PMID: 35346344, PMCID: PMC8962531

NM_000551.4(VHL):c.464-11T>C

Genes: VHL (von Hippel-Lindau tumor suppressor; plus strand), LOC107303340 (3p25 von Hippel-Lindau tumor suppressor, E3 ubiquitin protein ligase Alu-mediated recombination region; plus strand). Cytogenetic location: 3p25.3.
Variant type: single nucleotide variant.
Coding change: c.464-11T>C on transcript NM_000551.4 (MANE Select); 11 bases into the intron before coding-DNA position 464, T replaced by C.
Molecular consequence: intron variant.
Genome position (GRCh38, 1-based): chr3:10,149,776, T>C. VCF-style: chr3-10149776-T-C. GRCh37 (hg19) VCF-style: chr3-10191460-T-C.
Other names: c.*18-11T>C (NM_001354723.2); c.341-11T>C (NM_198156.3).
Identifiers: ClinVar variation 3069625 (VCV003069625.1), dbSNP rs2125130436, ClinGen allele CA2825001166.